The following is an entry in ClinVar:

NM_006231.4(POLE):c.675T>A (p.Asp225Glu)

Gene: POLE (DNA polymerase epsilon, catalytic subunit; minus strand). Cytogenetic location: 12q24.33.
Variant type: single nucleotide variant.
Coding change: c.675T>A on transcript NM_006231.4 (MANE Select); coding-DNA position 675, T replaced by A.
Protein change: p.Asp225Glu; replaces aspartic acid 225 with glutamic acid.
Molecular consequence: missense variant.
Genome position (GRCh38, 1-based): chr12:132,677,623, A>T on the plus strand (T>A on the coding strand, the complement: POLE is on the minus strand). VCF-style: chr12-132677623-A-T. GRCh37 (hg19) VCF-style: chr12-133254209-A-T.
Other names: short protein forms D225E.
Identifiers: ClinVar variation 959851 (VCV000959851.9), dbSNP rs1446922286, ClinGen allele CA387364855.

ClinVar aggregate classification (germline): Uncertain significance (1 of 4 stars; one submission).

Submission:

Labcorp Genetics (formerly Invitae), Labcorp
Classification: Uncertain significance. Last evaluated: 2021-01-15. Review status: criteria provided, single submitter. Criteria: Invitae Variant Classification Sherloc (09022015). Collection method: clinical testing. Allele origin: germline.
Comment: This sequence change replaces aspartic acid with glutamic acid at codon 225 of the POLE protein (p.Asp225Glu). The aspartic acid residue is highly conserved and there is a small physicochemical difference between aspartic acid and glutamic acid. This variant is not present in population databases (ExAC no frequency). In summary, the available evidence is currently insufficient to determine the role of this variant in disease. Therefore, it has been classified as a Variant of Uncertain Significance. Algorithms developed to predict the effect of missense changes on protein structure and function (SIFT, PolyPhen-2, Align-GVGD) all suggest that this variant is likely to be disruptive, but these predictions have not been confirmed by published functional studies and their clinical significance is uncertain. This variant has not been reported in the literature in individuals with POLE-related conditions.